The following is an entry in ClinVar:

NM_213655.5(WNK1):c.2152C>T (p.Arg718Cys)

Gene: WNK1 (WNK lysine deficient protein kinase 1; plus strand). Cytogenetic location: 12p13.33.
Variant type: single nucleotide variant.
Coding change: c.2152C>T on transcript NM_213655.5 (MANE Plus Clinical); coding-DNA position 2152, C replaced by T.
Protein change: p.Arg718Cys; replaces arginine 718 with cysteine.
Molecular consequence: missense variant. On other transcripts: intron variant (3).
Genome position (GRCh38, 1-based): chr12:865,122, C>T. VCF-style: chr12-865122-C-T. GRCh37 (hg19) VCF-style: chr12-974288-C-T.
Other names: c.2140-2744C>T (NM_001184985.2); c.2139+2852C>T (NM_018979.4, NM_014823.3); short protein forms R718C.
Identifiers: ClinVar variation 191028 (VCV000191028.36), dbSNP rs786205473, ClinGen allele CA235850.

ClinVar aggregate classification (germline): Conflicting classifications of pathogenicity. Review status: criteria provided, conflicting classifications (1 of 4 stars). 5 submissions from 5 submitters: Likely pathogenic (1); Uncertain significance (4). Last evaluated 2025-07-18.

Conditions:
Neuropathy, hereditary sensory and autonomic, type 2A (HSAN2A). Also called: HSAN IIA; ACROOSTEOLYSIS, GIACCAI TYPE; ACROOSTEOLYSIS, NEUROGENIC; MORVAN DISEASE; WNK1-Related HSAN2 (HSAN2A); NEUROPATHY, CONGENITAL SENSORY. Identifiers: Orphanet 970, MedGen C2752089, MONDO:0024309, OMIM 201300.
Pseudohypoaldosteronism type 2C (PHA2C). Also called: Pseudohypoaldosteronism Type IIC. Identifiers: Orphanet 757, Orphanet 88940, MedGen C1840391, MONDO:0013778, OMIM 614492.
Inborn genetic diseases. Identifiers: MedGen C0950123, MeSH D030342.

Allele frequency attached by ClinVar (database versions not stated): gnomAD exomes 0.00005; TOPMed 0.00005.
gnomAD v4.1: 49 of 1,519,106 alleles (0.0032%); highest among the groups gnomAD compares: Middle Eastern, 0.034%; no homozygotes.

Submissions (5):

Labcorp Genetics (formerly Invitae), Labcorp
Classification: Uncertain significance for Neuropathy, hereditary sensory and autonomic, type 2A; Pseudohypoaldosteronism type 2C. Last evaluated: 2025-07-18. Review status: criteria provided, single submitter. Criteria: Invitae Variant Classification Sherloc (09022015). Collection method: clinical testing. Allele origin: germline.
Comment: This sequence change replaces arginine, which is basic and polar, with cysteine, which is neutral and slightly polar, at codon 718 of the WNK1 protein (p.Arg718Cys). This variant is present in population databases (rs786205473, gnomAD 0.01%). This missense change has been observed in individual(s) with limb-girdle weakness (PMID: 27671536). ClinVar contains an entry for this variant (Variation ID: 191028). Invitae Evidence Modeling of protein sequence and biophysical properties (such as structural, functional, and spatial information, amino acid conservation, physicochemical variation, residue mobility, and thermodynamic stability) indicates that this missense variant is not expected to disrupt WNK1 protein function with a negative predictive value of 95%. In summary, the available evidence is currently insufficient to determine the role of this variant in disease. Therefore, it has been classified as a Variant of Uncertain Significance.

CeGaT Center for Human Genetics Tuebingen
Classification: Uncertain significance. Last evaluated: 2023-10-01. Review status: criteria provided, single submitter. Criteria: CeGaT Center For Human Genetics Tuebingen Variant Classification Criteria Version 2. Collection method: clinical testing. Allele origin: germline. Affected: yes. Observed: 1 variant allele.
Comment: WNK1: PM2, BP4

Ambry Genetics
Classification: Uncertain significance for Inborn genetic diseases. Last evaluated: 2022-03-24. Review status: criteria provided, single submitter. Criteria: Ambry Variant Classification Scheme 2023. Collection method: clinical testing. Allele origin: germline.
Comment: The p.R718C variant (also known as c.2152C>T), located in coding exon 9 of the WNK1 gene, results from a C to T substitution at nucleotide position 2152. The arginine at codon 718 is replaced by cysteine, an amino acid with highly dissimilar properties. This alteration has been detected in an individual with limb-girdle muscular dystrophy (Monies D et al. Hum Genomics, 2016 Sep;10:32). This amino acid position is well conserved in available vertebrate species; however, cysteine is the reference amino acid in other vertebrate species. In addition, this alteration is predicted to be tolerated by in silico analysis. Since supporting evidence is limited at this time, the clinical significance of this alteration remains unclear.

Fulgent Genetics
Classification: Uncertain significance for Neuropathy, hereditary sensory and autonomic, type 2A; Pseudohypoaldosteronism type 2C. Last evaluated: 2022-01-11. Review status: criteria provided, single submitter. Criteria: ACMG Guidelines, 2015. Collection method: clinical testing. Allele origin: unknown.

Genomic Medicine Center of Excellence, King Faisal Specialist Hospital and Research Centre
Classification: Likely pathogenic. Review status: criteria provided, single submitter. Criteria: ACMG Guidelines, 2015. Collection method: research. Allele origin: germline. Affected: yes.

Literature cited by the submitters: PubMed 27671536 (cited by Labcorp Genetics (formerly Invitae), Labcorp and Ambry Genetics).